The following is an entry in ClinVar:

NM_030962.4(SBF2):c.5254_5255insTTAT (p.Lys1752fs)

Genes: SBF2 (SET binding factor 2; minus strand), SBF2-AS1 (SBF2 antisense RNA 1; plus strand), LOC105369149 (uncharacterized LOC105369149; plus strand). Cytogenetic location: 11p15.4.
Variant type: Insertion.
Coding change: c.5254_5255insTTAT on transcript NM_030962.4 (MANE Select); coding-DNA positions 5254 to 5255, TTAT inserted.
Protein change: p.Lys1752fs; shifts the reading frame from lysine 1752.
Molecular consequence: frameshift variant.
Genome position: GRCh38 VCF-style: chr11-9784415-T-TATAA. GRCh37 (hg19) VCF-style: chr11-9805962-T-TATAA.
Other names: c.5350_5351insTTAT, p.Lys1784fs (NM_001386339.1); c.5125_5126insTTAT, p.Lys1709fs (NM_001386342.1); short protein forms K1752fs, K1709fs, K1784fs.
Identifiers: ClinVar variation 419286 (VCV000419286.12), dbSNP rs1064793771, ClinGen allele CA16619420.

ClinVar aggregate classification (germline): Pathogenic/Likely pathogenic. Review status: criteria provided, multiple submitters, no conflicts (2 of 4 stars). 3 submissions from 3 submitters: Pathogenic (1); Likely pathogenic (2). Last evaluated 2023-05-18.

Conditions:
SBF2-related disorder. Also called: SBF2-related condition.
Charcot-Marie-Tooth disease type 4. Also called: Charcot-Marie-Tooth disease, type IV; Charcot-Marie-Tooth, Type 4. Identifiers: Orphanet 64749, MedGen C4082197, MONDO:0018995.

Allele frequency attached by ClinVar (database versions not stated): gnomAD exomes below 0.00001; TOPMed 0.00003; gnomAD 0.00003 and 0.00004.

Submissions (3):

Labcorp Genetics (formerly Invitae), Labcorp
Classification: Pathogenic for Charcot-Marie-Tooth disease type 4. Last evaluated: 2023-05-18. Review status: criteria provided, single submitter. Criteria: Invitae Variant Classification Sherloc (09022015). Collection method: clinical testing. Allele origin: germline.
Comment: This sequence change creates a premature translational stop signal (p.Lys1752Ilefs*28) in the SBF2 gene. It is expected to result in an absent or disrupted protein product. Loss-of-function variants in SBF2 are known to be pathogenic (PMID: 12687498, 25873783). This variant is present in population databases (no rsID available, gnomAD 0.01%). This variant has not been reported in the literature in individuals affected with SBF2-related conditions. ClinVar contains an entry for this variant (Variation ID: 419286). For these reasons, this variant has been classified as Pathogenic.

PreventionGenetics, part of Exact Sciences
Classification: Likely pathogenic for SBF2-related condition. Last evaluated: 2023-03-17. Review status: criteria provided, single submitter. Criteria: ACMG Guidelines, 2015. Collection method: clinical testing. Allele origin: germline.
Comment: The SBF2 c.5254_5255insTTAT variant is predicted to result in a frameshift and premature protein termination (p.Lys1752Ilefs*28). To our knowledge, this variant has not been reported in the literature. This variant is reported in 0.011% of alleles in individuals of African descent in gnomAD. Frameshift variants in SBF2 are expected to be pathogenic. This variant is interpreted as likely pathogenic.

GeneDx
Classification: Likely pathogenic. Last evaluated: 2021-01-21. Review status: criteria provided, single submitter. Criteria: GeneDx Variant Classification Process June 2021. Collection method: clinical testing. Allele origin: germline. Affected: yes.
Comment: Has not been previously published as pathogenic or benign to our knowledge; Not observed at a significant frequency in large population cohorts (Lek et al., 2016); Frameshift variant predicted to result in protein truncation or nonsense mediated decay in a gene for which loss-of-function is a known mechanism of disease

Literature cited by the submitters: PubMed 12687498 (cited by Labcorp Genetics (formerly Invitae), Labcorp); PubMed 25873783 (cited by Labcorp Genetics (formerly Invitae), Labcorp).